The following is an entry in ClinVar:

ClinVar aggregate classification (germline): Uncertain significance (1 of 4 stars; one submission).

Submissions (2):

Labcorp Genetics (formerly Invitae), Labcorp
Classification: Uncertain significance. Last evaluated: 2025-11-11. Review status: criteria provided, single submitter. Criteria: Invitae Variant Classification Sherloc (09022015). Collection method: clinical testing. Allele origin: germline.
Comment: This sequence change replaces glutamic acid, which is acidic and polar, with glutamine, which is neutral and polar, at codon 258 of the LIPC protein (p.Glu258Gln). This variant is not present in population databases (gnomAD no frequency). This missense change has been observed in individual(s) with dyslipidemia (PMID: 36325899). An algorithm developed to predict the effect of missense changes on protein structure and function (PolyPhen-2) suggests that this variant is likely to be tolerated. In summary, the available evidence is currently insufficient to determine the role of this variant in disease. Therefore, it has been classified as a Variant of Uncertain Significance.

Dr. Peter K. Rogan Lab, Western University
No classification provided (evidence only). Condition: Malignant tumor of urinary bladder. Review status: no classification provided. Collection method: in vitro. Allele origin: not applicable. Functional consequence: retained intron. Not counted in ClinVar's aggregate classification.

Literature cited by the submitters: PubMed 36325899 (cited by Labcorp Genetics (formerly Invitae), Labcorp).

NM_000236.3(LIPC):c.772G>C (p.Glu258Gln)

Gene: LIPC (lipase C, hepatic type; plus strand). Cytogenetic location: 15q21.3.
Variant type: single nucleotide variant.
Coding change: c.772G>C on transcript NM_000236.3 (MANE Select); coding-DNA position 772, G replaced by C.
Protein change: p.Glu258Gln; replaces glutamic acid 258 with glutamine.
Molecular consequence: missense variant.
Genome position (GRCh38, 1-based): chr15:58,545,939, G>C. VCF-style: chr15-58545939-G-C. GRCh37 (hg19) VCF-style: chr15-58838138-G-C.
Other names: NC_000015.9:g.58838138G>C; short protein forms E258Q.
Identifiers: ClinVar variation 4403975 (VCV004403975.2).